The following is an entry in ClinVar:

ClinVar aggregate classification (germline): Pathogenic (1 of 4 stars; one submission).

Submission:

Quest Diagnostics Nichols Institute San Juan Capistrano
Classification: Pathogenic. Last evaluated: 2022-04-22. Review status: criteria provided, single submitter. Criteria: ACMG/ClinGen CNV Guidelines, 2019. Collection method: clinical testing. Allele origin: unknown.
Comment: The 4q31.23 deletion involves exons 1-2 (NM_000901.5) of the 5' portion of NR3C2 (OMIM 600983). Haploinsufficiency of NR3C2 caused by loss-of-function variants including nonsense, splicing, frame shift variants and exonic deletions, have been associated with autosomal dominant pseudohypoaldosteronism type I, which is characterized by salt wasting resulting from renal unresponsiveness to mineralocorticoids. Patients may present with neonatal renal salt wasting with hyperkalaemic acidosis despite high aldosterone levels. These patients improve with age and usually become asymptomatic without treatment. Some adult patients with the disorder may have elevated aldosterone levels, but no history of clinical disease (OMIM 177735) (Bowden 2013, Casas-Alba 2017, Hanukoglu 2020, Kim 2021, Pujo 2007). Additionally, truncating variants in NR3C2 gene have been identified in patients with autism. However, the majority of these variants were inherited from unaffected parents (Ruzzo 2019; Cukier 2020 ; Satterstrom 2020 ). The causality of autism is not well established. References: Bowden et al., Case Rep Endocrinol. 2013;2013:524647. PMID: 24455331. Casas-Alba et al., J Pediatr Endocrinol Metab. 2017 May 1;30(5):597-601. PMID: 28593901. Cukier et al., Autism Res. 2020 Apr;13(4):523-531. PMID: 32064789 Hanukoglu et al., J Steroid Biochem Mol Biol. 2020 Nov;204:105755. PMID: 33017655. Kim et al., Children (Basel). 2021 Nov 25;8(12):1090. PMID: 34943285. Pujo et al., Hum Mutat. 2007 Jan;28(1):33-40. PMID: 16972228. Ruzzo et al., Cell. 2019 Aug 8;178(4):850-866.e26. PMID: 31398340. Satterstrom et al., Cell. 2020 Feb 6;180(3):568-584.e23. PMID: 31981491

GRCh37/hg19 4q31.23(chr4:149309976-149452658)x1

Gene: NR3C2 (nuclear receptor subfamily 3 group C member 2; minus strand). Cytogenetic location: 4q31.23.
Variant type: copy number loss.
Change: copy number 1 (one copy instead of two) of chr4:149,309,976-149,452,658 (142.7 kb, GRCh37 coordinates, 1-based), cytogenetic band 4q31.23.
Identifiers: ClinVar variation 562976 (VCV000562976.2).